The following is an entry in ClinVar:

NM_000218.3(KCNQ1):c.1246G>A (p.Val416Met)

Gene: KCNQ1 (potassium voltage-gated channel subfamily Q member 1; plus strand). Cytogenetic location: 11p15.5.
Variant type: single nucleotide variant.
Coding change: c.1246G>A on transcript NM_000218.3 (MANE Select); coding-DNA position 1246, G replaced by A.
Protein change: p.Val416Met; replaces valine 416 with methionine.
Molecular consequence: missense variant.
Genome position (GRCh38, 1-based): chr11:2,587,687, G>A. VCF-style: chr11-2587687-G-A. GRCh37 (hg19) VCF-style: chr11-2608917-G-A.
Other names: c.1150G>A, p.Val384Met (NM_001406836.1); c.976G>A, p.Val326Met (NM_001406837.1); c.706G>A, p.Val236Met (NM_001406838.1); c.865G>A, p.Val289Met (NM_181798.2); short protein forms V289M, V416M, V384M, V236M, V326M.
Identifiers: ClinVar variation 926680 (VCV000926680.14), dbSNP rs777546418, ClinGen allele CA027860.

ClinVar aggregate classification (germline): Uncertain significance. Review status: criteria provided, multiple submitters, no conflicts (2 of 4 stars). 4 submissions from 4 submitters: Uncertain significance (4). Last evaluated 2026-01-18.

Conditions:
Cardiovascular phenotype. Identifiers: MedGen CN230736.
Long QT syndrome (LQTS). Identifiers: MedGen C0023976, MeSH D008133, MONDO:0002442. Disease mechanism: loss of function. Inheritance: Various modes of inheritance.
Cardiac arrhythmia. Also called: Arrhythmia; Cardiac rhythm disease. Identifiers: MedGen C0003811, MONDO:0007263, HP:0011675.

Allele frequency attached by ClinVar (database versions not stated): gnomAD exomes 0.00001; ExAC 0.00001; gnomAD 0.00001; TOPMed 0.00001.
gnomAD v4.1: 8 of 1,613,604 alleles (0.0005%); highest among the groups gnomAD compares: South Asian, 0.0011%; no homozygotes.

Submissions (4):

Labcorp Genetics (formerly Invitae), Labcorp
Classification: Uncertain significance for Long QT syndrome. Last evaluated: 2026-01-18. Review status: criteria provided, single submitter. Criteria: Invitae Variant Classification Sherloc (09022015). Collection method: clinical testing. Allele origin: germline.
Comment: This sequence change replaces valine, which is neutral and non-polar, with methionine, which is neutral and non-polar, at codon 416 of the KCNQ1 protein (p.Val416Met). This variant is present in population databases (rs777546418, gnomAD 0.003%). This variant has not been reported in the literature in individuals affected with KCNQ1-related conditions. ClinVar contains an entry for this variant (Variation ID: 926680). Invitae Evidence Modeling of protein sequence and biophysical properties (such as structural, functional, and spatial information, amino acid conservation, physicochemical variation, residue mobility, and thermodynamic stability) has been performed for this missense variant. However, the output from this modeling did not meet the statistical confidence thresholds required to predict the impact of this variant on KCNQ1 protein function. In summary, the available evidence is currently insufficient to determine the role of this variant in disease. Therefore, it has been classified as a Variant of Uncertain Significance.

Color Diagnostics, LLC DBA Color Health
Classification: Uncertain significance for Cardiac arrhythmia. Last evaluated: 2025-08-08. Review status: criteria provided, single submitter. Criteria: ACMG Guidelines, 2015. Collection method: clinical testing. Allele origin: germline.
Comment: This missense variant replaces valine with methionine at codon 416 of the KCNQ1 protein. Computational prediction suggests that this variant may not impact protein structure and function. To our knowledge, functional studies have not been reported for this variant. This variant has not been reported in individuals affected with KCNQ1-related disorders in the literature. This variant has been identified in 3/251178 chromosomes in the general population by the Genome Aggregation Database (gnomAD). The available evidence is insufficient to determine the role of this variant in disease conclusively. Therefore, this variant is classified as a Variant of Uncertain Significance.

Ambry Genetics
Classification: Uncertain significance for Cardiovascular phenotype. Last evaluated: 2024-09-27. Review status: criteria provided, single submitter. Criteria: Ambry Variant Classification Scheme 2023. Collection method: clinical testing. Allele origin: germline.
Comment: The p.V416M variant (also known as c.1246G>A), located in coding exon 9 of the KCNQ1 gene, results from a G to A substitution at nucleotide position 1246. The valine at codon 416 is replaced by methionine, an amino acid with highly similar properties. This amino acid position is not well conserved in available vertebrate species. In addition, the in silico prediction for this alteration is inconclusive. Based on the available evidence, the clinical significance of this variant remains unclear.

All of Us Research Program, National Institutes of Health
Classification: Uncertain significance for Long QT syndrome. Last evaluated: 2024-09-23. Review status: criteria provided, single submitter. Criteria: ACMG Guidelines, 2015. Collection method: clinical testing. Allele origin: germline. Inheritance: Autosomal dominant inheritance. Observed: 5 variant alleles, 5 heterozygotes.
Comment: This missense variant replaces valine with methionine at codon 416 of the KCNQ1 protein. Computational prediction tools and conservation analyses are inconclusive regarding the impact of this variant on the protein function. Computational splicing tools suggest that this variant may not impact RNA splicing. To our knowledge, functional assays have not been performed for this variant nor has this variant been reported in individuals affected with cardiovascular disorders in the literature. This variant has been identified in 3/251178 chromosomes in the general population by the Genome Aggregation Database (gnomAD). Available evidence is insufficient to determine the role of this variant in disease conclusively. Therefore, this variant is classified as a Variant of Uncertain Significance.

This study involves interpretation of variants in research participants for the purpose of population health screening. Participant phenotype was not available at the time of variant classification. Additional details can be found in publication PMID: 35346344, PMCID: PMC8962531